The following is an entry in ClinVar:

NM_015346.4(ZFYVE26):c.1159del (p.Leu387fs)

Gene: ZFYVE26 (zinc finger FYVE-type containing 26; minus strand). Cytogenetic location: 14q24.1.
Variant type: Deletion.
Coding change: c.1159del on transcript NM_015346.4 (MANE Select); coding-DNA position 1159, one base deleted (C; older notation c.1159delC).
Protein change: p.Leu387fs; shifts the reading frame from leucine 387.
Molecular consequence: frameshift variant.
Genome position (GRCh38, 1-based): chr14:67,805,477, G deleted on the plus strand (C on the coding strand, the reverse complement: ZFYVE26 is on the minus strand). VCF-style (leftmost placement, unchanged base first): chr14-67805476-AG-A. GRCh37 (hg19) VCF-style: chr14-68272193-AG-A.
Other names: short protein forms L387fs.
Identifiers: ClinVar variation 5014817 (VCV005014817.1).

ClinVar aggregate classification (germline): Pathogenic (1 of 4 stars; one submission).

Conditions:
Hereditary spastic paraplegia 15 (SPG15). Also called: SPASTIC PARAPLEGIA 15, AUTOSOMAL RECESSIVE; KJELLIN SYNDROME; SPASTIC PARAPLEGIA AND RETINAL DEGENERATION. Identifiers: Orphanet 100996, MedGen C1849128, MONDO:0010044, OMIM 270700.

Submission:

Myriad Genetics, Inc.
Classification: Pathogenic for Hereditary spastic paraplegia 15. Last evaluated: 2025-08-04. Review status: criteria provided, single submitter. Criteria: Myriad Autosomal Dominant, Autosomal Recessive and X-Linked Classification Criteria (2023). Collection method: clinical testing. Allele origin: unknown.
Comment: NM_015346.3(ZFYVE26):c.1159delC(L387Sfs*103) is expected to be pathogenic in the context of spastic paraplegia type 15. This variant is predicted to lead to an abnormal or absent protein product due to the creation of a premature termination codon in ZFYVE26, a gene where loss-of-function variants are known to be pathogenic. Please note: this variant was assessed in the context of healthy population screening.